The following is an entry in ClinVar:

ClinVar aggregate classification (germline): Uncertain significance (1 of 4 stars; one submission).

gnomAD v4.1: 1 of 1,614,098 alleles (0.000062%); highest among the groups gnomAD compares: Non-Finnish European, 0.000085%; no homozygotes.

Submission:

Labcorp Genetics (formerly Invitae), Labcorp
Classification: Uncertain significance. Last evaluated: 2025-04-11. Review status: criteria provided, single submitter. Criteria: Invitae Variant Classification Sherloc (09022015). Collection method: clinical testing. Allele origin: germline.
Comment: This sequence change replaces phenylalanine, which is neutral and non-polar, with leucine, which is neutral and non-polar, at codon 2319 of the SRCAP protein (p.Phe2319Leu). This variant is not present in population databases (gnomAD no frequency). This variant has not been reported in the literature in individuals affected with SRCAP-related conditions. Invitae Evidence Modeling of protein sequence and biophysical properties (such as structural, functional, and spatial information, amino acid conservation, physicochemical variation, residue mobility, and thermodynamic stability) indicates that this missense variant is not expected to disrupt SRCAP protein function with a negative predictive value of 80%. In summary, the available evidence is currently insufficient to determine the role of this variant in disease. Therefore, it has been classified as a Variant of Uncertain Significance.

NM_006662.3(SRCAP):c.6957C>A (p.Phe2319Leu)

Gene: SRCAP (Snf2 related CREBBP activator protein; plus strand). Cytogenetic location: 16p11.2.
Variant type: single nucleotide variant.
Coding change: c.6957C>A on transcript NM_006662.3 (MANE Select); coding-DNA position 6957, C replaced by A.
Protein change: p.Phe2319Leu; replaces phenylalanine 2319 with leucine.
Molecular consequence: missense variant.
Genome position (GRCh38, 1-based): chr16:30,736,573, C>A. VCF-style: chr16-30736573-C-A. GRCh37 (hg19) VCF-style: chr16-30747894-C-A.
Other names: short protein forms F2319L.
Identifiers: ClinVar variation 4695598 (VCV004695598.1).